The following is an entry in ClinVar:

ClinVar aggregate classification (germline): Uncertain significance. Review status: criteria provided, multiple submitters, no conflicts (2 of 4 stars). 2 submissions from 2 submitters: Uncertain significance (2). Last evaluated 2025-11-03.

Conditions:
Inborn genetic diseases. Identifiers: MedGen C0950123, MeSH D030342.

Submissions (2):

Ambry Genetics
Classification: Uncertain significance for Inborn genetic diseases. Last evaluated: 2025-11-03. Review status: criteria provided, single submitter. Criteria: Ambry Variant Classification Scheme 2023. Collection method: clinical testing. Allele origin: germline.

Greenwood Genetic Center Diagnostic Laboratories, Greenwood Genetic Center
Classification: Uncertain significance. Last evaluated: 2024-09-10. Review status: criteria provided, single submitter. Criteria: ACMG Guidelines, 2015. Collection method: clinical testing. Allele origin: germline. Affected: yes.
Comment: PM2, PP2

NM_001170629.2(CHD8):c.7486C>T (p.His2496Tyr)

Gene: CHD8 (chromodomain helicase DNA binding protein 8; minus strand). Cytogenetic location: 14q11.2.
Variant type: single nucleotide variant.
Coding change: c.7486C>T on transcript NM_001170629.2 (MANE Select); coding-DNA position 7486, C replaced by T.
Protein change: p.His2496Tyr; replaces histidine 2496 with tyrosine.
Molecular consequence: missense variant.
Genome position (GRCh38, 1-based): chr14:21,385,873, G>A on the plus strand (C>T on the coding strand, the complement: CHD8 is on the minus strand). VCF-style: chr14-21385873-G-A. GRCh37 (hg19) VCF-style: chr14-21854032-G-A.
Other names: c.6649C>T, p.His2217Tyr (NM_020920.4); c.7486C>T (NM_001170629.1); short protein forms H2217Y, H2496Y.
Identifiers: ClinVar variation 3765637 (VCV003765637.2).